The following is an entry in ClinVar:

NM_138425.4(C12orf57):c.155_166del (p.Gln52_Leu55del)

Gene: C12orf57 (chromosome 12 open reading frame 57; plus strand). Cytogenetic location: 12p13.31.
Variant type: Deletion.
Coding change: c.155_166del on transcript NM_138425.4 (MANE Select); coding-DNA positions 155 to 166, 12 bases deleted (AATTCGTGCTGC).
Protein change: p.Gln52_Leu55del.
Molecular consequence: inframe deletion. On other transcripts: intron variant (1).
Genome position (GRCh38, 1-based): chr12:6,944,578-6,944,589, AATTCGTGCTGC deleted; deleting any 12 consecutive bases within chr12:6,944,572-6,944,589 gives the same sequence; the c. name uses the placement nearest the transcript's 3' end. VCF-style (leftmost placement, unchanged base first): chr12-6944571-ATGCTGCAATTCG-A. GRCh37 (hg19) VCF-style: chr12-7053734-ATGCTGCAATTCG-A.
Other names: c.155_166del, p.Gln52_Leu55del (NM_001301834.1); c.116_127del, p.Gln39_Leu42del (NM_001301836.2); c.50_61del, p.Gln17_Leu20del (NM_001301838.2); c.142+13_142+24del (NM_001301837.2).
Identifiers: ClinVar variation 996947 (VCV000996947.3), dbSNP rs782305725, ClinGen allele CA6421272.

ClinVar aggregate classification (germline): Uncertain significance. Review status: criteria provided, multiple submitters, no conflicts (2 of 4 stars). 2 submissions from 2 submitters: Uncertain significance (2). Last evaluated 2024-01-08.

Conditions:
Temtamy syndrome (TEMTYS). Also called: MENTAL RETARDATION WITH OR WITHOUT CRANIOFACIAL DYSMORPHISM, OCULAR COLOBOMA, OR ABNORMAL CORPUS CALLOSUM. Identifiers: Orphanet 1777, MedGen C1857512, MONDO:0009033, OMIM 218340.

Submissions (2):

Labcorp Genetics (formerly Invitae), Labcorp
Classification: Uncertain significance for Temtamy syndrome. Last evaluated: 2024-01-08. Review status: criteria provided, single submitter. Criteria: Invitae Variant Classification Sherloc (09022015). Collection method: clinical testing. Allele origin: germline.
Comment: This variant, c.155_166del, results in the deletion of 4 amino acid(s) of the C12orf57 protein (p.Gln52_Leu55del), but otherwise preserves the integrity of the reading frame. This variant is present in population databases (rs782305725, gnomAD 0.03%). This variant has not been reported in the literature in individuals affected with C12orf57-related conditions. ClinVar contains an entry for this variant (Variation ID: 996947). Experimental studies and prediction algorithms are not available or were not evaluated, and the functional significance of this variant is currently unknown. In summary, the available evidence is currently insufficient to determine the role of this variant in disease. Therefore, it has been classified as a Variant of Uncertain Significance.

New York Genome Center
Classification: Uncertain significance for Temtamy syndrome. Last evaluated: 2020-06-18. Review status: criteria provided, single submitter. Criteria: NYGC Assertion Criteria 2020. Collection method: clinical testing. Allele origin: germline. Inheritance: Autosomal recessive inheritance. Observed: 1 heterozygote. Study: CSER-NYCKidSeq.